The following is an entry in ClinVar:

ClinVar aggregate classification (germline): Benign. Review status: criteria provided, multiple submitters, no conflicts (2 of 4 stars). 3 submissions from 3 submitters: Benign (3). Last evaluated 2018-01-13.

Conditions:
Noonan syndrome and Noonan-related syndrome. Identifiers: Orphanet 98733, MedGen C5681679, MONDO:0020297.
Legius syndrome. Identifiers: Orphanet 137605, MedGen C1969623, MONDO:0012669, OMIM 611431. Disease mechanism: loss of function.

Allele frequency attached by ClinVar (database versions not stated): gnomAD 0.00724 and 0.00728; 1000 Genomes Project 0.00859; 1000 Genomes Project 30x 0.00874; TOPMed 0.01161.
gnomAD v4.1: 4,072 of 1,158,398 alleles (0.35%); highest among the groups gnomAD compares: Admixed American, 7.4%; 162 homozygotes.

Submissions (3):

Illumina Laboratory Services, Illumina
Classification: Benign for Legius syndrome. Last evaluated: 2018-01-13. Review status: criteria provided, single submitter. Criteria: ICSL Variant Classification Criteria 13 December 2019. Collection method: clinical testing. Allele origin: germline.
Comment: This variant was observed in the ICSL laboratory as part of a predisposition screen in an ostensibly healthy population. It had not been previously curated by ICSL or reported in the Human Gene Mutation Database (HGMD: prior to June 1st, 2018), and was therefore a candidate for classification through an automated scoring system. Utilizing variant allele frequency, disease prevalence and penetrance estimates, and inheritance mode, an automated score was calculated to assess if this variant is too frequent to cause the disease. Based on the score and internal cut-off values, a variant classified as benign is not then subjected to further curation. The score for this variant resulted in a classification of benign for this disease.

Genome Diagnostics Laboratory, The Hospital for Sick Children
Classification: Benign for Noonan syndrome and Noonan-related syndrome. Last evaluated: 2017-01-23. Review status: criteria provided, single submitter. Criteria: ACMG Guidelines, 2015. Collection method: clinical testing. Allele origin: germline.

Breakthrough Genomics
Classification: Benign. Review status: criteria provided, single submitter. Criteria: ACMG Guidelines, 2015. Collection method: not provided. Allele origin: germline. Inheritance: Autosomal dominant inheritance. Affected: yes.

NM_152594.3(SPRED1):c.-93C>T

Gene: SPRED1 (sprouty related EVH1 domain containing 1; plus strand). Cytogenetic location: 15q14.
Variant type: single nucleotide variant.
Coding change: c.-93C>T on transcript NM_152594.3 (MANE Select); 93 bases upstream of the start codon, C replaced by T.
Molecular consequence: 5 prime UTR variant.
Genome position (GRCh38, 1-based): chr15:38,253,093, C>T. VCF-style: chr15-38253093-C-T. GRCh37 (hg19) VCF-style: chr15-38545294-C-T.
Identifiers: ClinVar variation 315731 (VCV000315731.9), dbSNP rs192699510, ClinGen allele CA10635884.